The following is an entry in ClinVar:

NM_000368.5(TSC1):c.2576A>T (p.Asn859Ile)

Gene: TSC1 (TSC complex subunit 1; minus strand). Cytogenetic location: 9q34.13.
Variant type: single nucleotide variant.
Coding change: c.2576A>T on transcript NM_000368.5 (MANE Select); coding-DNA position 2576, A replaced by T.
Protein change: p.Asn859Ile; replaces asparagine 859 with isoleucine.
Molecular consequence: missense variant. On other transcripts: non-coding transcript variant (5).
Genome position (GRCh38, 1-based): chr9:132,900,764, T>A on the plus strand (A>T on the coding strand, the complement: TSC1 is on the minus strand). VCF-style: chr9-132900764-T-A. GRCh37 (hg19) VCF-style: chr9-135776151-T-A.
Other names: c.2531A>T, p.Asn844Ile (NM_001406609.1, NM_001406608.1); c.2423A>T, p.Asn808Ile (NM_001406610.1, NM_001162427.2); c.2420A>T, p.Asn807Ile (NM_001406611.1, NM_001406612.1); c.2378A>T, p.Asn793Ile (NM_001406613.1); c.2213A>T, p.Asn738Ile (NM_001406614.1, NM_001406615.1, NM_001406616.1 and 4 more transcripts); c.1622A>T, p.Asn541Ile (NM_001406628.1, NM_001406627.1); c.1523A>T, p.Asn508Ile (NM_001406629.1, NM_001406630.1); c.2561A>T, p.Asn854Ile (NM_001406602.1, NM_001406601.1); and 8 more; short protein forms N508I, N845I, N854I, N858I, N859I, N542I, N737I, N738I.
Identifiers: ClinVar variation 4841470 (VCV004841470.1).

ClinVar aggregate classification (germline): Uncertain significance (1 of 4 stars; one submission).

Conditions:
Hereditary cancer-predisposing syndrome. Also called: Neoplastic Syndromes, Hereditary; Tumor predisposition; Hereditary Cancer Syndrome; Hereditary neoplastic syndrome. Identifiers: Orphanet 140162, MedGen C0027672, MeSH D009386, MONDO:0015356.

Submission:

Ambry Genetics
Classification: Uncertain significance for Hereditary cancer-predisposing syndrome. Last evaluated: 2025-12-21. Review status: criteria provided, single submitter. Criteria: Ambry Variant Classification Scheme 2023. Collection method: clinical testing. Allele origin: germline.
Comment: The p.N859I variant (also known as c.2576A>T), located in coding exon 18 of the TSC1 gene, results from an A to T substitution at nucleotide position 2576. The asparagine at codon 859 is replaced by isoleucine, an amino acid with dissimilar properties. This amino acid position is conserved. In addition, the in silico prediction for this alteration is inconclusive. Based on the available evidence, the clinical significance of this variant remains unclear.